The following is an entry in ClinVar:

NM_000180.4(GUCY2D):c.3124C>T (p.Arg1042Cys)

Gene: GUCY2D (guanylate cyclase 2D, retinal; plus strand). Cytogenetic location: 17p13.1.
Variant type: single nucleotide variant.
Coding change: c.3124C>T on transcript NM_000180.4 (MANE Select); coding-DNA position 3124, C replaced by T.
Protein change: p.Arg1042Cys; replaces arginine 1042 with cysteine.
Molecular consequence: missense variant.
Genome position (GRCh38, 1-based): chr17:8,016,007, C>T. VCF-style: chr17-8016007-C-T. GRCh37 (hg19) VCF-style: chr17-7919325-C-T.
Other names: short protein forms R1042C.
Identifiers: ClinVar variation 4783161 (VCV004783161.1).

ClinVar aggregate classification (germline): Uncertain significance (1 of 4 stars; one submission).

Conditions:
Leber congenital amaurosis 1 (LCA1). Also called: AMAUROSIS CONGENITA OF LEBER I; RETINAL BLINDNESS, CONGENITAL; Congenital absence of the rods and cones; Leber's congenital tapetoretinal degeneration; Leber's congenital tapetoretinal dysplasia. Identifiers: Orphanet 65, MedGen C2931258, MONDO:0008764, OMIM 204000.
Cone-rod dystrophy 6 (CORD6). Also called: RETINAL CONE DYSTROPHY 2; Cone dystrophy progressive. Identifiers: Orphanet 1872, MedGen C1866293, MONDO:0011143, OMIM 601777.

gnomAD v4.1: 24 of 1,608,366 alleles (0.0015%); highest among the groups gnomAD compares: East Asian, 0.018%; no homozygotes.

Submission:

Labcorp Genetics (formerly Invitae), Labcorp
Classification: Uncertain significance for Leber congenital amaurosis 1; Cone-rod dystrophy 6. Last evaluated: 2025-03-04. Review status: criteria provided, single submitter. Criteria: Invitae Variant Classification Sherloc (09022015). Collection method: clinical testing. Allele origin: germline.
Comment: This sequence change replaces arginine, which is basic and polar, with cysteine, which is neutral and slightly polar, at codon 1042 of the GUCY2D protein (p.Arg1042Cys). This variant is present in population databases (rs569363032, gnomAD 0.02%). This variant has not been reported in the literature in individuals affected with GUCY2D-related conditions. Invitae Evidence Modeling of protein sequence and biophysical properties (such as structural, functional, and spatial information, amino acid conservation, physicochemical variation, residue mobility, and thermodynamic stability) indicates that this missense variant is not expected to disrupt GUCY2D protein function with a negative predictive value of 80%. In summary, the available evidence is currently insufficient to determine the role of this variant in disease. Therefore, it has been classified as a Variant of Uncertain Significance.